The following is an entry in ClinVar:

ClinVar aggregate classification (germline): Uncertain significance. Review status: criteria provided, multiple submitters, no conflicts (2 of 4 stars). 6 submissions from 6 submitters: Uncertain significance (6). Last evaluated 2025-08-27.

Conditions:
Infantile nephronophthisis (NPHP2). Also called: Nephronophthisis 2, infantile; Nephronophthisis 2. Identifiers: Orphanet 655, Orphanet 93591, MedGen C1865872, MONDO:0011190, OMIM 602088.
INVS-related disorder. Also called: INVS-related condition.
Nephronophthisis. Also called: Juvenile Nephronophthisis. Identifiers: Orphanet 655, MedGen C0687120, MONDO:0019005, HP:0000090.
Inborn genetic diseases. Identifiers: MedGen C0950123, MeSH D030342.

Allele frequency attached by ClinVar (database versions not stated): ExAC 0.00003; gnomAD 0.00007 and 0.00009; TOPMed 0.00008; gnomAD exomes 0.00009.
gnomAD v4.1: 145 of 1,613,956 alleles (0.009%); highest among the groups gnomAD compares: African/African-American, 0.019%; no homozygotes.

Submissions (6):

Ambry Genetics
Classification: Uncertain significance for Inborn genetic diseases. Last evaluated: 2025-08-27. Review status: criteria provided, single submitter. Criteria: Ambry Variant Classification Scheme 2023. Collection method: clinical testing. Allele origin: germline.

PreventionGenetics, part of Exact Sciences
Classification: Uncertain significance for INVS-related condition. Last evaluated: 2025-01-07. Review status: criteria provided, single submitter. Criteria: ACMG Guidelines, 2015. Collection method: clinical testing. Allele origin: germline.
Comment: The INVS c.1661T>C variant is predicted to result in the amino acid substitution p.Ile554Thr. To our knowledge, this variant has not been reported in the literature. This variant is reported in 0.024% of alleles in individuals of African descent in gnomAD. At this time, the clinical significance of this variant is uncertain due to the absence of conclusive functional and genetic evidence.

Blueprint Genetics
Classification: Uncertain significance. Last evaluated: 2024-08-23. Review status: criteria provided, single submitter. Criteria: ACMG Guidelines, 2015. Collection method: clinical testing. Allele origin: germline.

Labcorp Genetics (formerly Invitae), Labcorp
Classification: Uncertain significance for Nephronophthisis. Last evaluated: 2023-11-28. Review status: criteria provided, single submitter. Criteria: Invitae Variant Classification Sherloc (09022015). Collection method: clinical testing. Allele origin: germline.
Comment: This sequence change replaces isoleucine, which is neutral and non-polar, with threonine, which is neutral and polar, at codon 554 of the INVS protein (p.Ile554Thr). This variant is present in population databases (rs748753412, gnomAD 0.02%). This variant has not been reported in the literature in individuals affected with INVS-related conditions. ClinVar contains an entry for this variant (Variation ID: 596114). An algorithm developed to predict the effect of missense changes on protein structure and function (PolyPhen-2) suggests that this variant is likely to be disruptive. In summary, the available evidence is currently insufficient to determine the role of this variant in disease. Therefore, it has been classified as a Variant of Uncertain Significance.

Fulgent Genetics
Classification: Uncertain significance for Infantile nephronophthisis. Last evaluated: 2022-03-02. Review status: criteria provided, single submitter. Criteria: ACMG Guidelines, 2015. Collection method: clinical testing. Allele origin: unknown.

Eurofins Ntd Llc (ga)
Classification: Uncertain significance. Last evaluated: 2018-02-10. Review status: criteria provided, single submitter. Criteria: EGL ClinVar v180209 classification definitions. Collection method: clinical testing. Allele origin: germline. Observed: 1 variant allele, 1 heterozygote.

NM_014425.5(INVS):c.1661T>C (p.Ile554Thr)

Gene: INVS (inversin; plus strand). Cytogenetic location: 9q31.1.
Variant type: single nucleotide variant.
Coding change: c.1661T>C on transcript NM_014425.5 (MANE Select); coding-DNA position 1661, T replaced by C.
Protein change: p.Ile554Thr; replaces isoleucine 554 with threonine.
Molecular consequence: missense variant. On other transcripts: non-coding transcript variant (1).
Genome position (GRCh38, 1-based): chr9:100,272,953, T>C. VCF-style: chr9-100272953-T-C. GRCh37 (hg19) VCF-style: chr9-103035235-T-C.
Other names: c.1373T>C, p.Ile458Thr (NM_001318381.2); c.683T>C, p.Ile228Thr (NM_001318382.2); c.1661T>C (NM_014425.4, NM_014425.2); short protein forms I554T, I458T, I228T.
Identifiers: ClinVar variation 596114 (VCV000596114.15), dbSNP rs748753412, ClinGen allele CA5158460.
Genomic context (GRCh38, chr9:100,272,953, plus strand): 5'-GTGAGCGCCATGAAGTGATCCAGTTCATGTTGGAGCACGGTGCCCTGTCCATCGCAGCCA[T>C]ACAAGACATCGCCGCCTTCAAAATCCAAGCTGTCTACAAAGGGTACAAGGTCAGAAAAGC-3'
Protein context (NP_055240.2, residues 544-564): LEHGALSIAA[Ile554Thr]QDIAAFKIQA